The following is an entry in ClinVar:

ClinVar aggregate classification (germline): Uncertain significance (1 of 4 stars; one submission).

Allele frequency attached by ClinVar (database versions not stated): gnomAD exomes 0.00001 and 0.00002; TOPMed 0.00001; ExAC 0.00002.
gnomAD v4.1: 17 of 1,613,970 alleles (0.0011%); highest among the groups gnomAD compares: African/African-American, 0.0013%; no homozygotes.

Submission:

GeneDx
Classification: Uncertain significance. Last evaluated: 2014-10-02. Review status: criteria provided, single submitter. Criteria: GeneDx Variant Classification (06012015). Collection method: clinical testing. Allele origin: germline. Affected: yes.
Comment: The N554S variant has not been published as a mutation, nor has it been reported as a benign polymorphism to our knowledge. It was not observed in approximately 6,000 individuals of European and African American ancestry in the NHLBI Exome Sequencing Project, indicating it is not a common benign variant in these populations. The N554S variant is a conservative amino acid substitution, which is not likely to impact secondary protein structure as these residues share similar properties. However, this substitution occurs at a position that is highly conserved in mammals, and in silico analysis predicts this variant is probably damaging to the protein structure/function. Therefore, based on the currently available information, it is unclear whether this variant is a pathogenic mutation or a rare benign variant. The variant is found in EPILEPSY panel(s).

NM_001330078.2(NRXN1):c.1541A>G (p.Asn514Ser)

Gene: NRXN1 (neurexin 1; minus strand). Cytogenetic location: 2p16.3.
Variant type: single nucleotide variant.
Coding change: c.1541A>G on transcript NM_001330078.2 (MANE Select); coding-DNA position 1541, A replaced by G.
Protein change: p.Asn514Ser; replaces asparagine 514 with serine.
Molecular consequence: missense variant.
Genome position (GRCh38, 1-based): chr2:50,552,805, T>C on the plus strand (A>G on the coding strand, the complement: NRXN1 is on the minus strand). VCF-style: chr2-50552805-T-C. GRCh37 (hg19) VCF-style: chr2-50779943-T-C.
Other names: p.N554S:AAT>AGT; c.1661A>G, p.Asn554Ser (NM_001135659.3); c.1517A>G, p.Asn506Ser (NM_001330077.2, NM_001330082.2, NM_001330095.2); c.1502A>G, p.Asn501Ser (NM_001330083.2, NM_001330084.2); c.1541A>G, p.Asn514Ser (NM_001330085.2, NM_001330086.2, NM_004801.6); c.1457A>G, p.Asn486Ser (NM_001330087.2, NM_001330096.2); c.1487A>G, p.Asn496Ser (NM_001330088.2); c.1538A>G, p.Asn513Ser (NM_001330093.2); and 1 more; short protein forms N554S, N486S, N501S, N514S, N496S, N510S, N506S, N513S.
Identifiers: ClinVar variation 206275 (VCV000206275.2), dbSNP rs770389634, ClinGen allele CA316196.
Genomic context (GRCh38, chr2:50,552,805, plus strand): 5'-TGTGGGTGCTTGGCATCTTTCTGATGTCTTGGCTTGCCATGGCTAAATAAGATGAGGCCA[T>C]TTGGCTCTGTTGTACGGAAATCAAATGATATGGAGCCAGTTTTCTTTGCATTCCATTTAG-3'
Protein context (NP_001317007.1, residues 504-524): ISFDFRTTEP[Asn514Ser]GLILFSHGKP